The following continues an entry in ClinVar:

NM_057176.3(BSND):c.139G>A (p.Gly47Arg)

Gene: BSND. ClinVar aggregate classification (germline): Pathogenic/Likely pathogenic. Pathogenic (16); Likely pathogenic (4).

Submissions 14 to 21 of 21:

Fulgent Genetics
Classification: Pathogenic for Bartter disease type 4A. Last evaluated: 2022-05-15. Review status: criteria provided, single submitter. Criteria: ACMG Guidelines, 2015. Collection method: clinical testing. Allele origin: unknown.

Genome-Nilou Lab
Classification: Pathogenic for Bartter disease type 4A. Last evaluated: 2021-07-22. Review status: criteria provided, single submitter. Criteria: ACMG Guidelines, 2015. Collection method: clinical testing. Allele origin: germline. Affected: yes.

Revvity Omics, Revvity
Classification: Pathogenic for Bartter disease type 4A. Last evaluated: 2021-06-16. Review status: criteria provided, single submitter. Criteria: ACMG Guidelines, 2015. Collection method: clinical testing. Allele origin: germline.

UNC Molecular Genetics  Laboratory, University of North Carolina at Chapel Hill
Classification: Pathogenic for Bartter disease type 4A. Last evaluated: 2020-12-01. Review status: criteria provided, single submitter. Criteria: ACMG Guidelines, 2015. Collection method: research. Allele origin: germline. Affected: yes. Observed: 1 variant allele. Study: CSER_NCGENES.
Comment: The BSND c.139G>A (p.Gly47Arg) missense variant alters a single amino acid in exon 1 of 4 of the encoded protein. This variant has been previously reported in the homozygous state in five individuals from two families who were affected with early onset Bartter syndrome and bilateral sensorineural hearing loss (PMID: 16572343). This variant has also been observed in the homozygous state in two individuals with congenital hearing loss and a mild clinical presentation of adult-onset Bartter syndrome (PMID: 12574213; 26537508). Additionally, this variant has been found in the compound heterozygous state with a loss-of-function nonsense variant in an individual with congenital hearing loss and early onset Bartter syndrome that required renal transplantation (PMID: 16328537). Functional studies show the p.Gly47Arg variant impairs ClC-K chloride channel activity (PMID: 11734858; 18776122). This variant is observed in the human population Genome Aggregation Database (gnomAD) with a minor allele frequency of 0.01% (25/250,814 alleles, 0 homozygotes) in all populations. In summary, the BSND p.Gly47Arg variant is considered pathogenic.

Mendelics
Classification: Pathogenic for Bartter disease type 4A. Last evaluated: 2019-05-28. Review status: criteria provided, single submitter. Criteria: Mendelics Assertion Criteria 2017. Collection method: clinical testing. Allele origin: unknown.

Illumina Laboratory Services, Illumina
Classification: Pathogenic for Bartter disease type 4A. Last evaluated: 2018-09-17. Review status: criteria provided, single submitter. Criteria: ICSL Variant Classification Criteria 09 May 2019. Collection method: clinical testing. Allele origin: germline.
Comment: Across a selection of literature, the BSND c.139G>A (p.Gly47Arg) missense variant has been reported in at least six studies in which it is found in at least twelve individuals from seven families with Bartter syndrome including in eleven in a homozygous state and in one in a compound heterozygous state (Miyamura et al. 2003; Garcia-Nieto et al. 2006; Kitanaka et al. 2006; Brum et al. 2007; Park et al. 2011; Heilberg et al. 2015). The p.Gly47Arg variant was also found in a heterozygous state in at least six unaffected relatives (Garcia-Nieto et al. 2006; Park et al. 2011). The p.Gly47Arg variant was absent from control 100 healthy subjects and is reported at a frequency of 0.000289 in the total population of the Exome Sequencing Project. Expression in Xenopus oocytes demonstrated that the p.Gly47Arg abolished the stimulatory effect on chloride channels (Estevez et al. 2001). The p.Gly47Arg variant demonstrated reduced binding to CIC-K channels when expressed in MDCKII cells (Janssen et al. 2009). These results are consistent with the generally mild phenotype of individuals carrying the p.Gly47Arg variant. Based on the collective evidence, the p.Gly47Arg variant is classified as pathogenic for Bartter syndrome. This variant was observed by ICSL as part of a predisposition screen in an ostensibly healthy population.

Juno Genomics, Hangzhou Juno Genomics, Inc
Classification: Pathogenic for Bartter disease type 4A. Review status: criteria provided, single submitter. Criteria: ACMG Guidelines, 2015. Collection method: clinical testing. Allele origin: germline.
Comment: Absent from controls (or at extremely low frequency if recessive) in Genome Aggregation Database.;For recessive disorders, detected in trans with a pathogenic variant.;Patient's phenotype or family history is highly specific for a disease with a single genetic etiology.;Well-established in vitro or in vivo functional studies supportive of a damaging effect on the gene or gene product.

OMIM
Classification: Pathogenic for BARTTER SYNDROME, TYPE 4A, WITH SENSORINEURAL DEAFNESS. Last evaluated: 2003-02-01. Review status: no assertion criteria provided. Collection method: literature only. Allele origin: germline. Not counted in ClinVar's aggregate classification.

Literature cited by the submitters: PubMed 42233699 (cited by Laboratory of Molecular, Cellular and Translation Genetics in Otolaryngology/ Lim32-hcfmusp, University of Sao Paulo School of Medicine Clinics Hospital); PubMed 12574213 (cited by 6 submitters); PubMed 16328537 (cited by 5 submitters); PubMed 21865213 (cited by Labcorp Genetics (formerly Invitae), Labcorp and Rare Kidney Stone Consortium and the Mayo Clinic Hyperoxaluria Center, Mayo Clinic); PubMed 26537508 (cited by 4 submitters); PubMed 11734858 (cited by 6 submitters); PubMed 18776122 (cited by 6 submitters); PubMed 39467922 (cited by Dasa and Rare Kidney Stone Consortium and the Mayo Clinic Hyperoxaluria Center, Mayo Clinic); PubMed 39336818 (cited by Dasa and Rare Kidney Stone Consortium and the Mayo Clinic Hyperoxaluria Center, Mayo Clinic); PubMed 39498320 (cited by Dasa and Rare Kidney Stone Consortium and the Mayo Clinic Hyperoxaluria Center, Mayo Clinic); PubMed 29942493 (cited by Dasa); PubMed 29398133 (cited by Dasa); PubMed 21158220 (cited by Rare Kidney Stone Consortium and the Mayo Clinic Hyperoxaluria Center, Mayo Clinic and Natera, Inc.); PubMed 21269598 (cited by Rare Kidney Stone Consortium and the Mayo Clinic Hyperoxaluria Center, Mayo Clinic and Illumina Laboratory Services, Illumina); PubMed 31667618 (cited by Rare Kidney Stone Consortium and the Mayo Clinic Hyperoxaluria Center, Mayo Clinic); PubMed 31589614 (cited by Rare Kidney Stone Consortium and the Mayo Clinic Hyperoxaluria Center, Mayo Clinic); PubMed 31980526 (cited by Rare Kidney Stone Consortium and the Mayo Clinic Hyperoxaluria Center, Mayo Clinic); PubMed 34426522 (cited by Rare Kidney Stone Consortium and the Mayo Clinic Hyperoxaluria Center, Mayo Clinic); PubMed 35314707 (cited by Rare Kidney Stone Consortium and the Mayo Clinic Hyperoxaluria Center, Mayo Clinic); PubMed 35982159 (cited by Rare Kidney Stone Consortium and the Mayo Clinic Hyperoxaluria Center, Mayo Clinic); PubMed 40794449 (cited by Rare Kidney Stone Consortium and the Mayo Clinic Hyperoxaluria Center, Mayo Clinic); PubMed 16572343 (cited by 4 submitters); PubMed 16935888 (cited by Illumina Laboratory Services, Illumina).